The following is an entry in ClinVar:

NM_003238.6(TGFB2):c.929T>A (p.Phe310Tyr)

Gene: TGFB2 (transforming growth factor beta 2; plus strand). Cytogenetic location: 1q41.
Variant type: single nucleotide variant.
Coding change: c.929T>A on transcript NM_003238.6 (MANE Select); coding-DNA position 929, T replaced by A.
Protein change: p.Phe310Tyr; replaces phenylalanine 310 with tyrosine.
Molecular consequence: missense variant. On other transcripts: non-coding transcript variant (2).
Genome position (GRCh38, 1-based): chr1:218,436,144, T>A. VCF-style: chr1-218436144-T-A. GRCh37 (hg19) VCF-style: chr1-218609486-T-A.
Other names: c.929T>A (NM_003238.3); c.1013T>A, p.Phe338Tyr (NM_001135599.4); short protein forms F338Y, F310Y.
Identifiers: ClinVar variation 1364114 (VCV001364114.10), dbSNP rs1659965863, ClinGen allele CA344727369.

ClinVar aggregate classification (germline): Uncertain significance. Review status: criteria provided, multiple submitters, no conflicts (2 of 4 stars). 3 submissions from 3 submitters: Uncertain significance (3). Last evaluated 2025-09-14.

Conditions:
Familial thoracic aortic aneurysm and aortic dissection (TAAD). Also called: Thoracic aortic aneurysms and dissections. Identifiers: Orphanet 91387, MedGen C4707243, MONDO:0019625.
Loeys-Dietz syndrome 4 (LDS4). Also called: ANEURYSM, AORTIC AND CEREBRAL, WITH ARTERIAL TORTUOSITY AND SKELETAL MANIFESTATIONS; TGFB2-Related Loeys-Dietz Syndrome. Identifiers: MedGen C3553762, MONDO:0013897, OMIM 614816.

Allele frequency attached by ClinVar (database versions not stated): gnomAD exomes below 0.00001.
gnomAD v4.1: 3 of 1,607,942 alleles (0.00019%); highest among the groups gnomAD compares: Non-Finnish European, 0.00025%; no homozygotes.

Submissions (3):

Labcorp Genetics (formerly Invitae), Labcorp
Classification: Uncertain significance for Loeys-Dietz syndrome 4. Last evaluated: 2025-09-14. Review status: criteria provided, single submitter. Criteria: Invitae Variant Classification Sherloc (09022015). Collection method: clinical testing. Allele origin: germline.
Comment: This sequence change replaces phenylalanine, which is neutral and non-polar, with tyrosine, which is neutral and polar, at codon 310 of the TGFB2 protein (p.Phe310Tyr). This variant is not present in population databases (gnomAD no frequency). This variant has not been reported in the literature in individuals affected with TGFB2-related conditions. ClinVar contains an entry for this variant (Variation ID: 1364114). Invitae Evidence Modeling of protein sequence and biophysical properties (such as structural, functional, and spatial information, amino acid conservation, physicochemical variation, residue mobility, and thermodynamic stability) indicates that this missense variant is not expected to disrupt TGFB2 protein function with a negative predictive value of 80%. In summary, the available evidence is currently insufficient to determine the role of this variant in disease. Therefore, it has been classified as a Variant of Uncertain Significance.

GeneDx
Classification: Uncertain significance. Last evaluated: 2024-09-10. Review status: criteria provided, single submitter. Criteria: GeneDx Variant Classification Process June 2021. Collection method: clinical testing. Allele origin: germline. Affected: yes.
Comment: Not observed at significant frequency in large population cohorts (gnomAD); In silico analysis indicates that this missense variant does not alter protein structure/function; Has not been previously published as pathogenic or benign to our knowledge

Ambry Genetics
Classification: Uncertain significance for Familial thoracic aortic aneurysm and aortic dissection. Last evaluated: 2024-03-06. Review status: criteria provided, single submitter. Criteria: Ambry Variant Classification Scheme 2023. Collection method: clinical testing. Allele origin: germline.
Comment: The p.F310Y variant (also known as c.929T>A), located in coding exon 5 of the TGFB2 gene, results from a T to A substitution at nucleotide position 929. The phenylalanine at codon 310 is replaced by tyrosine, an amino acid with highly similar properties. This amino acid position is conserved. In addition, this alteration is predicted to be tolerated by in silico analysis. Based on the available evidence, the clinical significance of this alteration remains unclear.